The following is an entry in ClinVar:

ClinVar aggregate classification (germline): Uncertain significance (1 of 4 stars; one submission).

Allele frequency attached by ClinVar (database versions not stated): ExAC 0.00004; gnomAD 0.00006; TOPMed 0.00008; gnomAD exomes 0.00011; ESP Exome Variant Server 0.00015.
gnomAD v4.1: 170 of 1,610,550 alleles (0.011%); highest among the groups gnomAD compares: Non-Finnish European, 0.014%; no homozygotes.

Submission:

Labcorp Genetics (formerly Invitae), Labcorp
Classification: Uncertain significance. Last evaluated: 2023-03-26. Review status: criteria provided, single submitter. Criteria: Invitae Variant Classification Sherloc (09022015). Collection method: clinical testing. Allele origin: germline.
Comment: This variant is present in population databases (rs375818507, gnomAD 0.008%). In summary, the available evidence is currently insufficient to determine the role of this variant in disease. Therefore, it has been classified as a Variant of Uncertain Significance. Algorithms developed to predict the effect of sequence changes on RNA splicing suggest that this variant may create or strengthen a splice site. This variant has not been reported in the literature in individuals affected with CLPX-related conditions. This sequence change falls in intron 5 of the CLPX gene. It does not directly change the encoded amino acid sequence of the CLPX protein.

NM_006660.5(CLPX):c.673+13A>G

Gene: CLPX (caseinolytic mitochondrial matrix peptidase chaperone subunit X; minus strand). Cytogenetic location: 15q22.31.
Variant type: single nucleotide variant.
Coding change: c.673+13A>G on transcript NM_006660.5 (MANE Select); 13 bases into the intron after coding-DNA position 673, A replaced by G.
Molecular consequence: intron variant.
Genome position (GRCh38, 1-based): chr15:65,164,016, T>C on the plus strand (A>G on the coding strand, the complement: CLPX is on the minus strand). VCF-style: chr15-65164016-T-C. GRCh37 (hg19) VCF-style: chr15-65456354-T-C.
Identifiers: ClinVar variation 2962765 (VCV002962765.3), dbSNP rs375818507, ClinGen allele CA7614843.
Genomic context (GRCh38, chr15:65,164,016, plus strand): 5'-AGTGAGGAGTTACAAATAAAGATTACTTTTAAGCATAGCAATCTCTATTTAGGTCAATTA[T>C]CAAAAACGCTACCTCTTGGTGTTAATGATGTCTGCTTCTCAACCTCTGCTTGCTGTCTCA-3'